The following is an entry in ClinVar:

ClinVar aggregate classification (germline): Conflicting classifications of pathogenicity. Review status: criteria provided, conflicting classifications (1 of 4 stars). 3 submissions from 3 submitters: Uncertain significance (1); Likely benign (1). 1 of the submissions does not count toward it. Last evaluated 2025-07-28.

Conditions:
KRT16-related disorder. Also called: KRT16-related condition.
Inborn genetic diseases. Identifiers: MedGen C0950123, MeSH D030342.

Allele frequency attached by ClinVar (database versions not stated): ESP Exome Variant Server 0.00038; 1000 Genomes Project 0.00040; 1000 Genomes Project 30x 0.00047; gnomAD 0.00056; TOPMed 0.00060; gnomAD exomes 0.00088 and 0.00119; ExAC 0.00096.

Submissions (3):

Labcorp Genetics (formerly Invitae), Labcorp
Classification: Likely benign. Last evaluated: 2025-07-28. Review status: criteria provided, single submitter. Criteria: Invitae Variant Classification Sherloc (09022015). Collection method: clinical testing. Allele origin: germline.

Ambry Genetics
Classification: Uncertain significance for Inborn genetic diseases. Last evaluated: 2013-04-01. Review status: criteria provided, single submitter. Criteria: Ambry Autosomal Dominant and X-Linked criteria (10/2015). Collection method: clinical testing. Allele origin: germline. Observed: 1 variant allele.
Comment: Based on data from the NHLBI Exome Sequencing Project (ESP), the C-allele has an overall frequency of approximately 0.04% (4/10758) total alleles studied. The C-allele was observed in 0.06% (4/7020) of European American alleles, was not observed in 3738 African American alleles studied, and was not observed in the homozygous state out of 5379 individuals studied. Based on data from the 1000 Genomes Project, the C-allele has an overall frequency of approximately 2/2188 (0.09%), the highest frequency being 0.83% (1/120) among Colombian chromosomes studied. The alteration is currently listed in the Database of Single Nucleotide Polymorphisms (dbSNP) as rs145649029. The M296 amino acid is not well conserved in available vertebrate species.This alteration is predicted to be tolerated with a score of 0.060 (conservation: 1.95)

PreventionGenetics, part of Exact Sciences
Classification: Likely benign for KRT16-related condition. Last evaluated: 2020-09-02. Review status: no assertion criteria provided. Collection method: clinical testing. Allele origin: germline. Not counted in ClinVar's aggregate classification.
Comment: This variant is classified as likely benign based on ACMG/AMP sequence variant interpretation guidelines (Richards et al. 2015 PMID: 25741868, with internal and published modifications).

NM_005557.4(KRT16):c.887T>C (p.Met296Thr)

Gene: KRT16 (keratin 16; minus strand). Cytogenetic location: 17q21.2.
Variant type: single nucleotide variant.
Coding change: c.887T>C on transcript NM_005557.4 (MANE Select); coding-DNA position 887, T replaced by C.
Protein change: p.Met296Thr; replaces methionine 296 with threonine.
Molecular consequence: missense variant.
Genome position (GRCh38, 1-based): chr17:41,611,115, A>G on the plus strand (T>C on the coding strand, the complement: KRT16 is on the minus strand). VCF-style: chr17-41611115-A-G. GRCh37 (hg19) VCF-style: chr17-39767367-A-G.
Other names: short protein forms M296T.
Identifiers: ClinVar variation 208662 (VCV000208662.13), dbSNP rs145649029, ClinGen allele CA204634.